The following is an entry in ClinVar:

ClinVar aggregate classification (germline): Uncertain significance. Review status: criteria provided, multiple submitters, no conflicts (2 of 4 stars). 3 submissions from 3 submitters: Uncertain significance (3). Last evaluated 2026-01-11.

Conditions:
Hereditary cancer-predisposing syndrome. Also called: Hereditary neoplastic syndrome; Neoplastic Syndromes, Hereditary; Tumor predisposition; Hereditary Cancer Syndrome. Identifiers: Orphanet 140162, MedGen C0027672, MeSH D009386, MONDO:0015356.
Hereditary breast ovarian cancer syndrome. Also called: Hereditary breast and ovarian cancer syndrome (HBOC); Hereditary breast and ovarian cancer; Hereditary breast and ovarian cancer syndrome; Breast and ovarian cancer; Hereditary breast and/or ovarian cancer syndrome; BRCA1- and BRCA2-Associated Hereditary Breast and Ovarian Cancer. Identifiers: Orphanet 145, MedGen C0677776, MeSH D061325, MONDO:0003582. Disease mechanism: loss of function.

Allele frequency attached by ClinVar (database versions not stated): gnomAD exomes below 0.00001; ExAC 0.00001.
gnomAD v4.1: 1 of 1,611,708 alleles (0.000062%); highest among the groups gnomAD compares: Admixed American, 0.0017%; no homozygotes.

Submissions (3):

Labcorp Genetics (formerly Invitae), Labcorp
Classification: Uncertain significance for Hereditary breast ovarian cancer syndrome. Last evaluated: 2026-01-11. Review status: criteria provided, single submitter. Criteria: Invitae Variant Classification Sherloc (09022015). Collection method: clinical testing. Allele origin: germline.
Comment: This sequence change replaces glutamine, which is neutral and polar, with arginine, which is basic and polar, at codon 258 of the BRCA2 protein (p.Gln258Arg). This variant is present in population databases (rs749729890, gnomAD 0.003%). This variant has not been reported in the literature in individuals affected with BRCA2-related conditions. ClinVar contains an entry for this variant (Variation ID: 252421). Invitae Evidence Modeling of protein sequence and biophysical properties (such as structural, functional, and spatial information, amino acid conservation, physicochemical variation, residue mobility, and thermodynamic stability) indicates that this missense variant is not expected to disrupt BRCA2 protein function with a negative predictive value of 95%. In summary, the available evidence is currently insufficient to determine the role of this variant in disease. Therefore, it has been classified as a Variant of Uncertain Significance.

Ambry Genetics
Classification: Uncertain significance for Hereditary cancer-predisposing syndrome. Last evaluated: 2025-10-19. Review status: criteria provided, single submitter. Criteria: Ambry Variant Classification Scheme 2023. Collection method: clinical testing. Allele origin: germline.
Comment: The p.Q258R variant (also known as c.773A>G), located in coding exon 8 of the BRCA2 gene, results from an A to G substitution at nucleotide position 773. The glutamine at codon 258 is replaced by arginine, an amino acid with highly similar properties. This amino acid position is not well conserved in available vertebrate species. In addition, this alteration is predicted to be tolerated by in silico analysis. Since supporting evidence is limited at this time, the clinical significance of this alteration remains unclear.

Quest Diagnostics Nichols Institute San Juan Capistrano
Classification: Uncertain significance. Last evaluated: 2024-04-16. Review status: criteria provided, single submitter. Criteria: Quest Diagnostics criteria. Collection method: clinical testing. Allele origin: unknown.
Comment: The BRCA2 c.773A>G (p.Gln258Arg) variant has been reported in the published literature to be located in a region of the BRCA2 gene that is tolerant to missense sequence changes (PMID: 31911673 (2020)). The frequency of this variant in the general population, 0.000004 (1/250522 chromosomes (Genome Aggregation Database)), is uninformative in the assessment of its pathogenicity. Analysis of this variant using bioinformatics tools for the prediction of the effect of amino acid changes on protein structure and function yielded predictions that this variant is benign. Based on the available information, we are unable to determine the clinical significance of this variant.

Literature cited by the submitters: PubMed 31911673 (cited by Quest Diagnostics Nichols Institute San Juan Capistrano); PubMed 26295337 (cited by Quest Diagnostics Nichols Institute San Juan Capistrano).

NM_000059.4(BRCA2):c.773A>G (p.Gln258Arg)

Gene: BRCA2 (BRCA2 DNA repair associated; plus strand). Cytogenetic location: 13q13.1.
Variant type: single nucleotide variant.
Coding change: c.773A>G on transcript NM_000059.4 (MANE Select); coding-DNA position 773, A replaced by G.
Protein change: p.Gln258Arg; replaces glutamine 258 with arginine.
Molecular consequence: missense variant.
Genome position (GRCh38, 1-based): chr13:32,331,010, A>G. VCF-style: chr13-32331010-A-G. GRCh37 (hg19) VCF-style: chr13-32905147-A-G.
Other names: short protein forms Q258R.
Identifiers: ClinVar variation 252421 (VCV000252421.15), dbSNP rs749729890, ClinGen allele CA6940441.